The following is an entry in ClinVar:

ClinVar aggregate classification (germline): Likely pathogenic (1 of 4 stars; one submission).

Submission:

GeneDx
Classification: Likely pathogenic. Last evaluated: 2023-06-05. Review status: criteria provided, single submitter. Criteria: GeneDx Variant Classification Process June 2021. Collection method: clinical testing. Allele origin: germline. Affected: yes.
Comment: Not observed at significant frequency in large population cohorts (gnomAD); In silico analysis supports that this missense variant has a deleterious effect on protein structure/function; Has not been previously published as pathogenic or benign to our knowledge

NM_005120.3(MED12):c.5179C>T (p.His1727Tyr)

Gene: MED12 (mediator complex subunit 12; plus strand). Cytogenetic location: Xq13.1.
Variant type: single nucleotide variant.
Coding change: c.5179C>T on transcript NM_005120.3 (MANE Select); coding-DNA position 5179, C replaced by T.
Protein change: p.His1727Tyr; replaces histidine 1727 with tyrosine.
Molecular consequence: missense variant.
Genome position (GRCh38, 1-based): chrX:71,136,434, C>T. VCF-style: chrX-71136434-C-T. GRCh37 (hg19) VCF-style: chrX-70356284-C-T.
Other names: short protein forms H1727Y.
Identifiers: ClinVar variation 2505883 (VCV002505883.1), dbSNP rs2147826312, ClinGen allele CA413534370.